The following is an entry in ClinVar:

NM_015702.3(MMADHC):c.478+1G>C

Gene: MMADHC (metabolism of cobalamin associated D; minus strand). Cytogenetic location: 2q23.2.
Variant type: single nucleotide variant.
Coding change: c.478+1G>C on transcript NM_015702.3 (MANE Select); the canonical splice donor site of the intron after coding-DNA position 478, G replaced by C.
Molecular consequence: splice donor variant.
Genome position (GRCh38, 1-based): chr2:149,576,436, C>G on the plus strand (G>C on the coding strand, the complement: MMADHC is on the minus strand). VCF-style: chr2-149576436-C-G. GRCh37 (hg19) VCF-style: chr2-150432950-C-G.
Identifiers: ClinVar variation 2009602 (VCV002009602.4), dbSNP rs1240536115, ClinGen allele CA348870224.

ClinVar aggregate classification (germline): Likely pathogenic (1 of 4 stars; one submission).

Conditions:
Methylmalonic aciduria and homocystinuria type cblD (MAHCD). Also called: METHYLMALONIC ACIDEMIA, cblH TYPE; Methylmalonic aciduria with homocystinuria cblD type. Identifiers: Orphanet 622, Orphanet 79283, MedGen C1848552, MONDO:0010185, OMIM 277410.

Submission:

Labcorp Genetics (formerly Invitae), Labcorp
Classification: Likely pathogenic for Methylmalonic aciduria and homocystinuria type cblD. Last evaluated: 2022-07-01. Review status: criteria provided, single submitter. Criteria: Invitae Variant Classification Sherloc (09022015). Collection method: clinical testing. Allele origin: germline.
Comment: In summary, the currently available evidence indicates that the variant is pathogenic, but additional data are needed to prove that conclusively. Therefore, this variant has been classified as Likely Pathogenic. Algorithms developed to predict the effect of sequence changes on RNA splicing suggest that this variant may disrupt the consensus splice site. This variant has not been reported in the literature in individuals affected with MMADHC-related conditions. This variant is not present in population databases (gnomAD no frequency). This sequence change affects a donor splice site in intron 5 of the MMADHC gene. It is expected to disrupt RNA splicing. Variants that disrupt the donor or acceptor splice site typically lead to a loss of protein function (PMID: 16199547), and loss-of-function variants in MMADHC are known to be pathogenic (PMID: 18385497).

Literature cited by the submitters: PubMed 16199547; PubMed 18385497.